The following is an entry in ClinVar:

NM_001127178.3(PIGG):c.2316G>A (p.Thr772=)

Gene: PIGG (phosphatidylinositol glycan anchor biosynthesis class G (EMM blood group); plus strand). Cytogenetic location: 4p16.3.
Variant type: single nucleotide variant.
Coding change: c.2316G>A on transcript NM_001127178.3 (MANE Select); coding-DNA position 2316, G replaced by A.
Protein change: p.Thr772=; no amino-acid change (threonine 772 retained).
Molecular consequence: synonymous variant. On other transcripts: non-coding transcript variant (6).
Genome position (GRCh38, 1-based): chr4:530,490, G>A. VCF-style: chr4-530490-G-A. GRCh37 (hg19) VCF-style: chr4-524279-G-A.
Other names: c.2049G>A, p.Thr683= (NM_001289051.2, NM_001345986.2); c.1917G>A, p.Thr639= (NM_001289052.2); c.2025G>A, p.Thr675= (NM_001345987.2); c.1287G>A, p.Thr429= (NM_001345988.2); c.783G>A, p.Thr261= (NM_001345990.2, NM_001345991.2); c.1218G>A, p.Thr406= (NM_001345994.2); c.2292G>A, p.Thr764= (NM_017733.5).
Identifiers: ClinVar variation 5036961 (VCV005036961.1).

ClinVar aggregate classification (germline): Uncertain significance (1 of 4 stars; one submission).

gnomAD v4.1: 24 of 1,613,488 alleles (0.0015%); highest among the groups gnomAD compares: South Asian, 0.0088%; no homozygotes.

Submission:

GeneDx
Classification: Uncertain significance. Last evaluated: 2026-04-16. Review status: criteria provided, single submitter. Criteria: GeneDx Variant Classification Process June 2021. Collection method: clinical testing. Allele origin: germline.
Comment: Not observed at significant frequency in large population cohorts (gnomAD); Has not been previously published as pathogenic or benign to our knowledge; In silico analysis suggests this variant may impact gene splicing. In the absence of RNA/functional studies, the actual effect of this sequence change is unknown.